The following is an entry in ClinVar:

ClinVar aggregate classification (germline): Uncertain significance. Review status: criteria provided, multiple submitters, no conflicts (2 of 4 stars). 5 submissions from 5 submitters: Uncertain significance (5). Last evaluated 2026-03-20.

Conditions:
Distal myopathy with posterior leg and anterior hand involvement. Also called: WILLIAMS DISTAL MYOPATHY. Identifiers: Orphanet 63273, MedGen C3279722, MONDO:0013550, OMIM 614065.
Myofibrillar myopathy 5. Also called: Filaminopathy (type); FILAMINOPATHY, AUTOSOMAL DOMINANT. Identifiers: Orphanet 171445, MedGen C1836050, MONDO:0012289, OMIM 609524.
Hypertrophic cardiomyopathy 26. Also called: Cardiomyopathy, familial hypertrophic, 26. Identifiers: Orphanet 75249, MedGen C4310749, MONDO:0014883, OMIM 617047.
Cardiovascular phenotype. Identifiers: MedGen CN230736.
FLNC-related disorder. Also called: FLNC-related condition; FLNC-related disorders.

Allele frequency attached by ClinVar (database versions not stated): TOPMed below 0.00001; ExAC 0.00001; gnomAD 0.00001; gnomAD exomes below 0.00001 and 0.00002.

Submissions (5):

PreventionGenetics, part of Exact Sciences
Classification: Uncertain significance for FLNC-related condition. Last evaluated: 2026-03-20. Review status: criteria provided, single submitter. Criteria: ACMG Guidelines, 2015. Collection method: clinical testing. Allele origin: germline.
Comment: The FLNC c.7946T>C variant is predicted to result in the amino acid substitution p.Phe2649Ser. To our knowledge, this variant has not been reported in the literature. This variant is reported in 0.0017% of alleles in individuals of European (Non-Finnish) descent in gnomAD. At this time, the clinical significance of this variant is uncertain due to the absence of conclusive functional and genetic evidence.

Labcorp Genetics (formerly Invitae), Labcorp
Classification: Uncertain significance for Distal myopathy with posterior leg and anterior hand involvement; Myofibrillar myopathy 5; Hypertrophic cardiomyopathy 26. Last evaluated: 2026-01-05. Review status: criteria provided, single submitter. Criteria: Invitae Variant Classification Sherloc (09022015). Collection method: clinical testing. Allele origin: germline.
Comment: This sequence change replaces phenylalanine, which is neutral and non-polar, with serine, which is neutral and polar, at codon 2649 of the FLNC protein (p.Phe2649Ser). This variant is present in population databases (rs755387909, gnomAD 0.002%). This variant has not been reported in the literature in individuals affected with FLNC-related conditions. ClinVar contains an entry for this variant (Variation ID: 949895). Invitae Evidence Modeling of protein sequence and biophysical properties (such as structural, functional, and spatial information, amino acid conservation, physicochemical variation, residue mobility, and thermodynamic stability) indicates that this missense variant is not expected to disrupt FLNC protein function with a negative predictive value of 95%. In summary, the available evidence is currently insufficient to determine the role of this variant in disease. Therefore, it has been classified as a Variant of Uncertain Significance.

GeneDx
Classification: Uncertain significance. Last evaluated: 2025-09-04. Review status: criteria provided, single submitter. Criteria: GeneDx Variant Classification Process June 2021. Collection method: clinical testing. Allele origin: germline.
Comment: In silico analysis supports that this missense variant has a deleterious effect on protein structure/function; Has not been previously published as pathogenic or benign to our knowledge

Ambry Genetics
Classification: Uncertain significance for Cardiovascular phenotype. Last evaluated: 2025-06-22. Review status: criteria provided, single submitter. Criteria: Ambry Variant Classification Scheme 2023. Collection method: clinical testing. Allele origin: germline.
Comment: The p.F2649S variant (also known as c.7946T>C), located in coding exon 47 of the FLNC gene, results from a T to C substitution at nucleotide position 7946. The phenylalanine at codon 2649 is replaced by serine, an amino acid with highly dissimilar properties. This amino acid position is well conserved in available vertebrate species. In addition, the in silico prediction for this alteration is inconclusive. Since supporting evidence is limited at this time, the clinical significance of this alteration remains unclear.

Fulgent Genetics
Classification: Uncertain significance for Myofibrillar myopathy 5; Distal myopathy with posterior leg and anterior hand involvement; Hypertrophic cardiomyopathy 26. Last evaluated: 2021-11-08. Review status: criteria provided, single submitter. Criteria: ACMG Guidelines, 2015. Collection method: clinical testing. Allele origin: unknown.

NM_001458.5(FLNC):c.7946T>C (p.Phe2649Ser)

Genes: FLNC (filamin C; plus strand), FLNC-AS1 (FLNC antisense RNA 1; minus strand). Cytogenetic location: 7q32.1.
Variant type: single nucleotide variant.
Coding change: c.7946T>C on transcript NM_001458.5 (MANE Select); coding-DNA position 7946, T replaced by C.
Protein change: p.Phe2649Ser; replaces phenylalanine 2649 with serine.
Molecular consequence: missense variant.
Genome position (GRCh38, 1-based): chr7:128,858,173, T>C. VCF-style: chr7-128858173-T-C. GRCh37 (hg19) VCF-style: chr7-128498227-T-C.
Other names: c.7847T>C, p.Phe2616Ser (NM_001127487.2); short protein forms F2649S, F2616S.
Identifiers: ClinVar variation 949895 (VCV000949895.15), dbSNP rs755387909, ClinGen allele CA4476385.